The following is an entry in ClinVar:

ClinVar aggregate classification (germline): Benign/Likely benign. Review status: criteria provided, multiple submitters, no conflicts (2 of 4 stars). 3 submissions from 3 submitters: Benign (2); Likely benign (1). Last evaluated 2026-01-27.

Conditions:
Methylmalonate semialdehyde dehydrogenase deficiency (MMSDHD). Also called: MMSDH DEFICIENCY. Identifiers: Orphanet 289307, MedGen C3279840, MONDO:0013579, OMIM 614105.

Submissions (3):

Labcorp Genetics (formerly Invitae), Labcorp
Classification: Benign. Last evaluated: 2026-01-27. Review status: criteria provided, single submitter. Criteria: Invitae Variant Classification Sherloc (09022015). Collection method: clinical testing. Allele origin: germline.

Mayo Clinic Laboratories, Mayo Clinic
Classification: Benign. Last evaluated: 2024-11-14. Review status: criteria provided, single submitter. Criteria: ACMG Guidelines, 2015. Collection method: clinical testing. Allele origin: germline. Observed: 3 variant alleles.
Comment: BA1

Fulgent Genetics
Classification: Likely benign for Methylmalonate semialdehyde dehydrogenase deficiency. Last evaluated: 2021-10-08. Review status: criteria provided, single submitter. Criteria: ACMG Guidelines, 2015. Collection method: clinical testing. Allele origin: unknown.

NM_005589.4(ALDH6A1):c.853-11dup

Genes: ALDH6A1 (aldehyde dehydrogenase 6 family member A1; minus strand), BBOF1 (basal body orientation factor 1; plus strand). Cytogenetic location: 14q24.3.
Variant type: Duplication.
Coding change: c.853-11dup on transcript NM_005589.4 (MANE Select); 11 bases into the intron before coding-DNA position 853, one base duplicated (T; older notation c.853-11dupT).
Molecular consequence: intron variant.
Genome position (GRCh38, 1-based): chr14:74,067,572, A duplicated on the plus strand (T on the coding strand, the reverse complement: ALDH6A1 is on the minus strand); the first of 9 consecutive A bases (chr14:74,067,572-74,067,580); duplicating any one gives the same sequence. VCF-style (leftmost placement, unchanged base first): chr14-74067571-T-TA. GRCh37 (hg19) VCF-style: chr14-74534274-T-TA.
Other names: p.?; c.853-3dup (NM_005589.4); c.814-11dup (NM_001278593.2); c.391-11dup (NM_001278594.2).
Identifiers: ClinVar variation 314175 (VCV000314175.17), dbSNP rs528185481, ClinGen allele CA7265741.